The following is an entry in ClinVar:

NM_000431.4(MVK):c.928G>A (p.Val310Met)

Gene: MVK (mevalonate kinase; plus strand). Cytogenetic location: 12q24.11.
Variant type: single nucleotide variant.
Coding change: c.928G>A on transcript NM_000431.4 (MANE Select); coding-DNA position 928, G replaced by A.
Protein change: p.Val310Met; replaces valine 310 with methionine.
Molecular consequence: missense variant.
Genome position (GRCh38, 1-based): chr12:109,595,070, G>A. VCF-style: chr12-109595070-G-A. GRCh37 (hg19) VCF-style: chr12-110032875-G-A.
Other names: c.928G>A, p.Val310Met (LRG_156t1, NM_001114185.3); c.772G>A, p.Val258Met (NM_001301182.2); short protein forms V310M, V258M.
Identifiers: ClinVar variation 11934 (VCV000011934.20), dbSNP rs104895319, ClinGen allele CA121787.

ClinVar aggregate classification (germline): Pathogenic. Review status: criteria provided, multiple submitters, no conflicts (2 of 4 stars). 9 submissions from 9 submitters: Pathogenic (7). 2 of the submissions do not count toward it. Last evaluated 2026-03-11.

Conditions:
Autoinflammatory syndrome. Identifiers: Orphanet 93665, MedGen C3890737, MONDO:0019751.
MVK-related disorder. Also called: MVK-related disorders; MVK-related condition. Identifiers: MedGen CN239294.
Hyperimmunoglobulin D with periodic fever (HIDS). Also called: HYPERIMMUNOGLOBULINEMIA D AND PERIODIC FEVER SYNDROME; Hyperimmunoglobulinemia D; Hyperimmunoglobulinemia D with periodic fever. Identifiers: Orphanet 343, MedGen C0398691, MONDO:0009849, OMIM 260920.
Mevalonic aciduria (MEVA). Identifiers: Orphanet 29, MedGen C1959626, MONDO:0012481, OMIM 610377.
Porokeratosis 3, disseminated superficial actinic type (POROK3). Also called: POROKERATOSIS, DISSEMINATED SUPERFICIAL ACTINIC, 1; POROKERATOSIS 3, MULTIPLE TYPES; POROKERATOSIS 3, MIBELLI TYPE. Identifiers: MedGen C1867981, MONDO:0008293, OMIM 175900.

Allele frequency attached by ClinVar (database versions not stated): gnomAD 0.00001; TOPMed 0.00001; ExAC 0.00002; gnomAD exomes 0.00002.

Submissions (9):

Women's Health and Genetics/Laboratory Corporation of America, LabCorp
Classification: Pathogenic for Mevalonic aciduria. Last evaluated: 2026-03-11. Review status: criteria provided, single submitter. Criteria: LabCorp Variant Classification Summary - May 2015. Collection method: clinical testing. Allele origin: germline.
Comment: Variant summary: MVK c.928G>A (p.Val310Met) results in a conservative amino acid change in the encoded protein sequence. Algorithms developed to predict the effect of missense changes on protein structure and function are either unavailable or do not agree on the potential impact of this missense change. The variant allele was found at a frequency of 2e-05 in 251388 control chromosomes. c.928G>A has been observed in individual(s) affected with Mevalonic aciduria (e.g. Gattorno_2009, Houten_1999, Samkari_2010). These data indicate that the variant is likely to be associated with disease. At least one publication reports experimental evidence evaluating an impact on protein function (Houten_1999). The most pronounced variant effect results in <10% of normal activity. The following publications have been ascertained in the context of this evaluation (PMID: 19786432, 10401001, 20194276). ClinVar contains an entry for this variant (Variation ID: 11934). Based on the evidence outlined above, the variant was classified as pathogenic.

Labcorp Genetics (formerly Invitae), Labcorp
Classification: Pathogenic for Mevalonic aciduria; Hyperimmunoglobulin D with periodic fever; Porokeratosis 3, disseminated superficial actinic type. Last evaluated: 2025-09-16. Review status: criteria provided, single submitter. Criteria: Invitae Variant Classification Sherloc (09022015). Collection method: clinical testing. Allele origin: germline.
Comment: This sequence change replaces valine, which is neutral and non-polar, with methionine, which is neutral and non-polar, at codon 310 of the MVK protein (p.Val310Met). This variant is present in population databases (rs104895319, gnomAD 0.01%). This missense change has been observed in individuals with symptoms consistent with melavonic aciduria (PMID: 10401001, 15536479, 16835861, 20194276, 27213830, 28638818). ClinVar contains an entry for this variant (Variation ID: 11934). Invitae Evidence Modeling of protein sequence and biophysical properties (such as structural, functional, and spatial information, amino acid conservation, physicochemical variation, residue mobility, and thermodynamic stability) indicates that this missense variant is expected to disrupt MVK protein function with a positive predictive value of 95%. Experimental studies have shown that this missense change affects MVK function (PMID: 10401001, 12444096, 16835861). For these reasons, this variant has been classified as Pathogenic.

GeneDx
Classification: Pathogenic. Last evaluated: 2025-09-05. Review status: criteria provided, single submitter. Criteria: GeneDx Variant Classification Process June 2021. Collection method: clinical testing. Allele origin: germline. Affected: yes.
Comment: Published functional studies demonstrate a that homozygosity for this variant results in significantly decreased MK activity (PMID: 11313768); In silico analysis supports that this missense variant has a deleterious effect on protein structure/function; This variant is associated with the following publications: (PMID: 25469482, 34809655, 20194276, 11313768, 12444096, 26386126, 15536479, 28638818, 31980526, 10401001, 16835861)

Next Generation Genetic Polyclinic
Classification: Pathogenic for Mevalonic aciduria. Last evaluated: 2025-05-18. Review status: criteria provided, single submitter. Criteria: ACMG Guidelines, 2015. Collection method: curation. Allele origin: germline. Affected: yes. Observed: 1 variant allele.
Comment: The NM_000431.4:c.928G>A variant in the MVK gene results in a missense mutation (p.Val310Met), substituting valine with methionine at a conserved position within the mevalonate kinase enzyme. MVK is essential for cholesterol and isoprenoid biosynthesis, and its deficiency disrupts protein prenylation, triggering systemic inflammation. This variant has been shown to significantly reduce MK enzymatic activity, leading to mevalonate kinase deficiency (MKD), which includes Hyper-IgD Syndrome (HIDS) and mevalonic aciduria. The homozygous autosomal recessive inheritance and deleterious functional impact support its classification as pathogenic. Clinically, affected individuals may present with recurrent fever, abdominal pain, lymphadenopathy, and elevated inflammatory markers.

Blueprint Genetics
Classification: Pathogenic for MVK-related disorders. Last evaluated: 2019-04-24. Review status: criteria provided, single submitter. Criteria: ACMG Guidelines, 2015. Collection method: clinical testing. Allele origin: germline. Affected: yes. Observed: 1 variant allele.

Genome Diagnostics Laboratory, The Hospital for Sick Children
Classification: Pathogenic for Autoinflammatory syndrome. Last evaluated: 2018-06-01. Review status: criteria provided, single submitter. Criteria: ACMG Guidelines, 2015. Collection method: clinical testing. Allele origin: germline. Affected: yes.

ARUP Laboratories, Molecular Genetics and Genomics, ARUP Laboratories
Classification: Pathogenic. Review status: criteria provided, single submitter. Criteria: ARUP Molecular Germline Variant Investigation Process 2024. Collection method: clinical testing. Allele origin: germline.
Comment: The MVK c.928G>A; p.Val310Met variant (rs104895319, ClinVar Variation ID 11934) is reported in the literature in several individuals with mevalonate deficiency, mevalonic aciduria, febrile crisis and/or hyperimmunoglobulinemia D and periodic fever syndrome (HIDS) (Houten 1999, Laccetta 2017, Omoyinmi 2021, Samkari 2010). This variant is only observed on five alleles in the Genome Aggregation Database (v2.1.1), indicating it is not a common polymorphism. Functional analyses of the variant protein show markedly reduced mevalonate kinase activity and protein instability (Houten 1999, Omoyinmi 2021). Computational analyses predict that this variant is deleterious (REVEL: 0.818). Based on available information, this variant is considered to be pathogenic. References: Houten SM et al. Identification and characterization of three novel missense mutations in mevalonate kinase cDNA causing mevalonic aciduria, a disorder of isoprene biosynthesis. Hum Mol Genet. 1999 Aug. PMID: 10401001. Laccetta G et al. Effects of Anakinra on Health-Related Quality of Life in a Patient with 1129G>A/928G>A Mutations in MVK Gene and Heterozygosity for the Mutation 2107C>A in CIAS1 Gene. Front Pediatr. 2017 PMID: 28638818. Omoyinmi E et al. Vasculitis in a patient with mevalonate kinase deficiency (MKD): a case report. Pediatr Rheumatol Online J. 2021 Nov 22. PMID: 34809655. Samkari A et al. A novel missense mutation in MVK associated with MK deficiency and dyserythropoietic anemia. Pediatrics. 2010 Apr. PMID: 20194276.

OMIM
Classification: Pathogenic for MEVALONIC ACIDURIA. Last evaluated: 1999-08-01. Review status: no assertion criteria provided. Collection method: literature only. Allele origin: germline. Not counted in ClinVar's aggregate classification.

Unité médicale des maladies autoinflammatoires, CHRU Montpellier
No classification provided. Condition: Hyperimmunoglobulin D with periodic fever. Review status: no classification provided. Collection method: not provided. Allele origin: unknown. Not counted in ClinVar's aggregate classification.
Comment: also involved in OMIM 25117

Literature cited by the submitters: PubMed 19786432 (cited by Women's Health and Genetics/Laboratory Corporation of America, LabCorp); PubMed 10401001 (cited by 3 submitters); PubMed 20194276 (cited by Women's Health and Genetics/Laboratory Corporation of America, LabCorp and Labcorp Genetics (formerly Invitae), Labcorp); PubMed 15536479 (cited by Labcorp Genetics (formerly Invitae), Labcorp); PubMed 16835861 (cited by Labcorp Genetics (formerly Invitae), Labcorp); PubMed 27213830 (cited by Labcorp Genetics (formerly Invitae), Labcorp); PubMed 28638818 (cited by Labcorp Genetics (formerly Invitae), Labcorp); PubMed 12444096 (cited by Labcorp Genetics (formerly Invitae), Labcorp).